The following is an entry in ClinVar:

ClinVar aggregate classification (germline): Likely benign (0 of 4 stars; one submission).

Conditions:
Gaucher disease type I (GD1). Also called: GD 1; Gaucher's disease, type 1; Type 1 Gaucher Disease; ACID BETA-GLUCOSIDASE DEFICIENCY; GAUCHER DISEASE, NONCEREBRAL JUVENILE; GBA DEFICIENCY. Identifiers: Orphanet 355, Orphanet 77259, MedGen C1961835, MONDO:0009265, OMIM 230800.

Submission:

Laboratório Nacional de Células Tronco Embrionárias, Instituto de Biociencias - Universidade de Sao Paulo
Classification: Likely benign for Gaucher disease type I. Last evaluated: 2025-06-24. Review status: no assertion criteria provided. Collection method: research. Allele origin: inherited. Inheritance: Autosomal recessive inheritance. Affected: yes. Observed: 3 variant alleles.
Comment: Silent mutation - NP_000148.2:p.(D337=) - detected and described in Rozenberg et al., 2006 (doi:10.1016/j.bcmd.2006.09.004). This synonymous variant does not alter the amino acid sequence. Based on these data and established disease mechanisms for GBA1, we classified it as likely benign.

Literature cited by the submitters: DOI 10.1016/j.bcmd.2006.09.004.

NM_000157.4(GBA1):c.1011C>T (p.Asp337=)

Genes: GBA1 (glucosylceramidase beta 1; minus strand), LOC106627981 (GBA recombination region; plus strand). Cytogenetic location: 1q22.
Variant type: single nucleotide variant.
Coding change: c.1011C>T on transcript NM_000157.4 (MANE Select); coding-DNA position 1011, C replaced by T.
Protein change: p.Asp337=; no amino-acid change (aspartic acid 337 retained).
Molecular consequence: synonymous variant.
Genome position (GRCh38, 1-based): chr1:155,236,458, G>A on the plus strand (C>T on the coding strand, the complement: GBA1 is on the minus strand). VCF-style: chr1-155236458-G-A. GRCh37 (hg19) VCF-style: chr1-155206249-G-A.
Other names: NP_000148.2:p.(D337=); c.1011C>T, p.Asp337= (NM_001005741.3, NM_001005742.3); c.750C>T, p.Asp250= (NM_001171811.2); c.864C>T, p.Asp288= (NM_001171812.2).
Identifiers: ClinVar variation 4075431 (VCV004075431.1).